The following is an entry in ClinVar:

NM_006204.4(PDE6C):c.1673C>G (p.Ala558Gly)

Gene: PDE6C (phosphodiesterase 6C; plus strand). Cytogenetic location: 10q23.33.
Variant type: single nucleotide variant.
Coding change: c.1673C>G on transcript NM_006204.4 (MANE Select); coding-DNA position 1673, C replaced by G.
Protein change: p.Ala558Gly; replaces alanine 558 with glycine.
Molecular consequence: missense variant.
Genome position (GRCh38, 1-based): chr10:93,640,493, C>G. VCF-style: chr10-93640493-C-G. GRCh37 (hg19) VCF-style: chr10-95400250-C-G.
Other names: short protein forms A558G.
Identifiers: ClinVar variation 1016949 (VCV001016949.8), dbSNP rs2058554091, ClinGen allele CA377618582.

ClinVar aggregate classification (germline): Uncertain significance (1 of 4 stars; one submission).

gnomAD v4.1: 1 of 1,613,790 alleles (0.000062%); highest among the groups gnomAD compares: Non-Finnish European, 0.000085%; no homozygotes.

Submission:

Labcorp Genetics (formerly Invitae), Labcorp
Classification: Uncertain significance. Last evaluated: 2020-04-18. Review status: criteria provided, single submitter. Criteria: Invitae Variant Classification Sherloc (09022015). Collection method: clinical testing. Allele origin: germline.
Comment: In summary, the available evidence is currently insufficient to determine the role of this variant in disease. Therefore, it has been classified as a Variant of Uncertain Significance. Algorithms developed to predict the effect of missense changes on protein structure and function (SIFT, PolyPhen-2, Align-GVGD) all suggest that this variant is likely to be tolerated, but these predictions have not been confirmed by published functional studies and their clinical significance is uncertain. This variant has not been reported in the literature in individuals with PDE6C-related conditions. This variant is not present in population databases (ExAC no frequency). This sequence change replaces alanine with glycine at codon 558 of the PDE6C protein (p.Ala558Gly). The alanine residue is weakly conserved and there is a small physicochemical difference between alanine and glycine.